The following is an entry in ClinVar:

ClinVar aggregate classification (germline): Pathogenic (1 of 4 stars; one submission).

Conditions:
Hepatic veno-occlusive disease-immunodeficiency syndrome. Also called: Hepatic Veno-Occlusive Disease with Immunodeficiency. Identifiers: Orphanet 79124, MedGen C1856128, MONDO:0009338, OMIM 235550. Disease mechanism: loss of function.

Submission:

Labcorp Genetics (formerly Invitae), Labcorp
Classification: Pathogenic for Hepatic veno-occlusive disease-immunodeficiency syndrome. Last evaluated: 2022-09-07. Review status: criteria provided, single submitter. Criteria: Invitae Variant Classification Sherloc (09022015). Collection method: clinical testing. Allele origin: germline.
Comment: This sequence change creates a premature translational stop signal (p.Pro564Leufs*16) in the SP110 gene. It is expected to result in an absent or disrupted protein product. Loss-of-function variants in SP110 are known to be pathogenic (PMID: 16648851, 22621957). For these reasons, this variant has been classified as Pathogenic. ClinVar contains an entry for this variant (Variation ID: 971546). This variant has not been reported in the literature in individuals affected with SP110-related conditions. This variant is not present in population databases (gnomAD no frequency).

Literature cited by the submitters: PubMed 16648851; PubMed 22621957.

NM_080424.4(SP110):c.1691del (p.Pro564fs)

Gene: SP110 (SP110 nuclear body protein; minus strand). Cytogenetic location: 2q37.1.
Variant type: Deletion.
Coding change: c.1691del on transcript NM_080424.4 (MANE Select); coding-DNA position 1691, one base deleted (C; older notation c.1691delC).
Protein change: p.Pro564fs; shifts the reading frame from proline 564.
Molecular consequence: frameshift variant.
Genome position (GRCh38, 1-based): chr2:230,172,859, G deleted on the plus strand (C on the coding strand, the reverse complement: SP110 is on the minus strand); the first of 6 consecutive G bases (chr2:230,172,859-230,172,864); deleting any one gives the same sequence. VCF-style (leftmost placement, unchanged base first): chr2-230172858-AG-A. GRCh37 (hg19) VCF-style: chr2-231037574-AG-A.
Other names: c.1709del, p.Pro570fs (NM_001378442.1, NM_001378444.1, NM_001378445.1 and 1 more transcripts); c.1691del, p.Pro564fs (NM_001378443.1, NM_004509.5); short protein forms P570fs, P564fs.
Identifiers: ClinVar variation 971546 (VCV000971546.7), dbSNP rs1245290762, ClinGen allele CA539929317.